The following is an entry in ClinVar:

ClinVar aggregate classification (germline): Benign/Likely benign. Review status: criteria provided, multiple submitters, no conflicts (2 of 4 stars). 3 submissions from 3 submitters: Benign (1); Likely benign (2). Last evaluated 2025-08-07.

Conditions:
Hereditary cancer-predisposing syndrome. Also called: Neoplastic Syndromes, Hereditary; Hereditary neoplastic syndrome; Hereditary Cancer Syndrome; Tumor predisposition. Identifiers: Orphanet 140162, MedGen C0027672, MeSH D009386, MONDO:0015356.
POLD1-related polyposis and colorectal cancer syndrome (CRCS10). Also called: Colorectal cancer, susceptibility to, 10; Colorectal cancer 10; COLORECTAL CANCER, SUSCEPTIBILITY TO, ON CHROMOSOME 19q. Identifiers: Orphanet 220460, MedGen C2675481, MONDO:0012953, OMIM 612591.

Allele frequency attached by ClinVar (database versions not stated): ExAC below 0.00001; TOPMed 0.00001.
gnomAD v4.1: 1 of 1,561,860 alleles (0.000064%); highest among the groups gnomAD compares: South Asian, 0.0012%; no homozygotes.

Submissions (3):

Labcorp Genetics (formerly Invitae), Labcorp
Classification: Likely benign for POLD1-related polyposis and colorectal cancer syndrome. Last evaluated: 2025-08-07. Review status: criteria provided, single submitter. Criteria: Invitae Variant Classification Sherloc (09022015). Collection method: clinical testing. Allele origin: germline.

Myriad Genetics, Inc.
Classification: Benign for POLD1-related polyposis and colorectal cancer syndrome. Last evaluated: 2025-02-05. Review status: criteria provided, single submitter. Criteria: Myriad Autosomal Dominant, Autosomal Recessive and X-Linked Classification Criteria (2023). Collection method: clinical testing. Allele origin: unknown.
Comment: This variant is considered benign. This variant is a silent/synonymous amino acid change and it is not expected to impact splicing.

Ambry Genetics
Classification: Likely benign for Hereditary cancer-predisposing syndrome. Last evaluated: 2019-07-31. Review status: criteria provided, single submitter. Criteria: Ambry Variant Classification Scheme 2023. Collection method: clinical testing. Allele origin: germline.

NM_002691.4(POLD1):c.1077C>T (p.Pro359=)

Gene: POLD1 (DNA polymerase delta 1, catalytic subunit; plus strand). Cytogenetic location: 19q13.33.
Variant type: single nucleotide variant.
Coding change: c.1077C>T on transcript NM_002691.4 (MANE Select); coding-DNA position 1077, C replaced by T.
Protein change: p.Pro359=; no amino-acid change (proline 359 retained).
Molecular consequence: synonymous variant. On other transcripts: non-coding transcript variant (1).
Genome position (GRCh38, 1-based): chr19:50,403,159, C>T. VCF-style: chr19-50403159-C-T. GRCh37 (hg19) VCF-style: chr19-50906416-C-T.
Other names: c.1077C>T, p.Pro359= (NM_001256849.1, NM_001308632.1).
Identifiers: ClinVar variation 414750 (VCV000414750.17), dbSNP rs747907179, ClinGen allele CA9596019.